The following is an entry in ClinVar:

ClinVar aggregate classification (germline): Pathogenic/Likely pathogenic. Review status: criteria provided, multiple submitters, no conflicts (2 of 4 stars). 5 submissions from 5 submitters: Pathogenic (2); Likely pathogenic (2). 1 of the submissions does not count toward it. Last evaluated 2025-02-04.

Conditions:
Autosomal recessive osteopetrosis 1. Also called: TCIRG1-Related Autosomal Recessive Osteopetrosis; TCIRG1-Related Osteopetrosis; ALBERS-SCHONBERG DISEASE, AUTOSOMAL RECESSIVE. Identifiers: Orphanet 667, MedGen C1850127, MONDO:0009815, OMIM 259700.

Allele frequency attached by ClinVar (database versions not stated): gnomAD exomes below 0.00001; TOPMed below 0.00001.
gnomAD v4.1: 1 of 1,613,412 alleles (0.000062%); highest among the groups gnomAD compares: Admixed American, 0.0017%; no homozygotes.

Submissions (5):

Natera, Inc.
Classification: Pathogenic for Infantile malignant osteopetrosis. Last evaluated: 2025-02-04. Review status: criteria provided, single submitter. Criteria: Natera Variant Classification Schema (03/2026). Collection method: clinical testing. Allele origin: germline.
Comment: The c.1554+1G>T variant in TCIRG1 is a canonical splice donor site variant predicted to affect pre-mRNA splicing, which may result in an abnormal transcript and altered protein product. This variant is expected to result in nonsense mediated decay, truncation, or a dysfunctional protein product. This variant is rare in the general population with a frequency below the threshold expected for the associated phenotype(s). Another variant at this same site results in an alteration predicted to cause a similar molecular effect has been observed in individual(s) with the associated phenotype. Given the available evidence, this variant is classified as Pathogenic.

Labcorp Genetics (formerly Invitae), Labcorp
Classification: Pathogenic. Last evaluated: 2025-01-15. Review status: criteria provided, single submitter. Criteria: Invitae Variant Classification Sherloc (09022015). Collection method: clinical testing. Allele origin: germline.
Comment: This sequence change affects a donor splice site in intron 13 of the TCIRG1 gene. It is expected to disrupt RNA splicing. Variants that disrupt the donor or acceptor splice site typically lead to a loss of protein function (PMID: 16199547), and loss-of-function variants in TCIRG1 are known to be pathogenic (PMID: 10888887, 10942435, 11532986, 19448635). The frequency data for this variant in the population databases is considered unreliable, as metrics indicate poor data quality at this position in the gnomAD database. Disruption of this splice site has been observed in individuals with autosomal recessive osteopetrosis (PMID: 11532986, 20424301). ClinVar contains an entry for this variant (Variation ID: 554456). Algorithms developed to predict the effect of sequence changes on RNA splicing suggest that this variant may disrupt the consensus splice site. For these reasons, this variant has been classified as Pathogenic.

Fulgent Genetics
Classification: Likely pathogenic for Autosomal recessive osteopetrosis 1. Last evaluated: 2024-06-16. Review status: criteria provided, single submitter. Criteria: ACMG Guidelines, 2015. Collection method: clinical testing. Allele origin: germline.

Baylor Genetics
Classification: Likely pathogenic for Autosomal recessive osteopetrosis 1. Last evaluated: 2024-03-03. Review status: criteria provided, single submitter. Criteria: ACMG Guidelines, 2015. Collection method: clinical testing. Allele origin: unknown.

Counsyl
Classification: Likely pathogenic for Autosomal recessive osteopetrosis 1. Last evaluated: 2017-10-19. Review status: no assertion criteria provided. Collection method: clinical testing. Allele origin: unknown. Not counted in ClinVar's aggregate classification.

Literature cited by the submitters: PubMed 16199547 (cited by Labcorp Genetics (formerly Invitae), Labcorp); PubMed 10888887 (cited by Labcorp Genetics (formerly Invitae), Labcorp); PubMed 10942435 (cited by Labcorp Genetics (formerly Invitae), Labcorp); PubMed 11532986 (cited by Labcorp Genetics (formerly Invitae), Labcorp); PubMed 19448635 (cited by Labcorp Genetics (formerly Invitae), Labcorp); PubMed 20424301 (cited by Labcorp Genetics (formerly Invitae), Labcorp).

NM_006019.4(TCIRG1):c.1554+1G>T

Gene: TCIRG1 (T cell immune regulator 1, ATPase H+ transporting V0 subunit a3; plus strand). Cytogenetic location: 11q13.2.
Variant type: single nucleotide variant.
Coding change: c.1554+1G>T on transcript NM_006019.4 (MANE Select); the canonical splice donor site of the intron after coding-DNA position 1554, G replaced by T.
Molecular consequence: splice donor variant.
Genome position (GRCh38, 1-based): chr11:68,047,973, G>T. VCF-style: chr11-68047973-G-T. GRCh37 (hg19) VCF-style: chr11-67815440-G-T.
Other names: c.660+1G>T (NM_001351059.2); c.906+1G>T (NM_006053.4).
Identifiers: ClinVar variation 554456 (VCV000554456.10), dbSNP rs1439348400, ClinGen allele CA381584693.